The following is an entry in ClinVar:

NM_182961.4(SYNE1):c.11580+15C>T

Gene: SYNE1 (spectrin repeat containing nuclear envelope protein 1; minus strand). Cytogenetic location: 6q25.2.
Variant type: single nucleotide variant.
Coding change: c.11580+15C>T on transcript NM_182961.4 (MANE Select); 15 bases into the intron after coding-DNA position 11580, C replaced by T.
Molecular consequence: intron variant.
Genome position (GRCh38, 1-based): chr6:152,352,012, G>A on the plus strand (C>T on the coding strand, the complement: SYNE1 is on the minus strand). VCF-style: chr6-152352012-G-A. GRCh37 (hg19) VCF-style: chr6-152673147-G-A.
Other names: c.11535+15C>T (NM_033071.5).
Identifiers: ClinVar variation 262154 (VCV000262154.22), dbSNP rs6908392, ClinGen allele CA4056660.

ClinVar aggregate classification (germline): Benign. Review status: criteria provided, multiple submitters, no conflicts (2 of 4 stars). 12 submissions from 9 submitters: Benign (9). 3 of the submissions do not count toward it. Last evaluated 2026-02-03.

Conditions:
Arthrogryposis multiplex congenita 3, myogenic type. Also called: ARTHROGRYPOSIS MULTIPLEX CONGENITA, MYOGENIC TYPE. Identifiers: MedGen C5193121, MONDO:0032778, OMIM 618484.
Autosomal recessive ataxia, Beauce type. Also called: Spinocerebellar ataxia, autosomal recessive 8; ATAXIA, RECESSIVE, OF BEAUCE; SYNE1-Related Autosomal Recessive Cerebellar Ataxia; SYNE1 Deficiency. Identifiers: Orphanet 88644, MedGen C1853116, MONDO:0012549, OMIM 610743.
Emery-Dreifuss muscular dystrophy 4, autosomal dominant (EDMD4). Also called: EMERY-DREIFUSS MUSCULAR DYSTROPHY 4 WITH VARIABLE FEATURES. Identifiers: Orphanet 261, MedGen C2751807, MONDO:0013071, OMIM 612998.

Allele frequency attached by ClinVar (database versions not stated): 1000 Genomes Project 0.56589; 1000 Genomes Project 30x 0.56933; gnomAD 0.57402 and 0.57442; ESP Exome Variant Server 0.57827; TOPMed 0.57840; ExAC 0.57900; gnomAD exomes 0.58399 and 0.60329.
gnomAD v4.1: 967,442 of 1,611,640 alleles (60%); highest among the groups gnomAD compares: East Asian, 64%; 291,700 homozygotes.

Submissions (12):

Labcorp Genetics (formerly Invitae), Labcorp
Classification: Benign for Emery-Dreifuss muscular dystrophy 4, autosomal dominant; Autosomal recessive ataxia, Beauce type. Last evaluated: 2026-02-03. Review status: criteria provided, single submitter. Criteria: Invitae Variant Classification Sherloc (09022015). Collection method: clinical testing. Allele origin: germline.

Blueprint Genetics
Classification: Benign. Last evaluated: 2024-11-27. Review status: criteria provided, single submitter. Criteria: ACMG Guidelines, 2015. Collection method: clinical testing. Allele origin: germline.

Genome-Nilou Lab
Classification: Benign for Arthrogryposis multiplex congenita 3, myogenic type. Last evaluated: 2021-07-15. Review status: criteria provided, single submitter. Criteria: ACMG Guidelines, 2015. Collection method: clinical testing. Allele origin: germline. Affected: no.

Genome-Nilou Lab
Classification: Benign for Emery-Dreifuss muscular dystrophy 4, autosomal dominant. Last evaluated: 2021-07-15. Review status: criteria provided, single submitter. Criteria: ACMG Guidelines, 2015. Collection method: clinical testing. Allele origin: germline. Affected: no.

Genome-Nilou Lab
Classification: Benign for Autosomal recessive ataxia, Beauce type. Last evaluated: 2021-07-15. Review status: criteria provided, single submitter. Criteria: ACMG Guidelines, 2015. Collection method: clinical testing. Allele origin: germline. Affected: no.

Illumina Laboratory Services, Illumina
Classification: Benign for Emery-Dreifuss muscular dystrophy 4, autosomal dominant. Last evaluated: 2018-01-13. Review status: criteria provided, single submitter. Criteria: ICSL Variant Classification Criteria 13 December 2019. Collection method: clinical testing. Allele origin: germline.
Comment: This variant was observed in the ICSL laboratory as part of a predisposition screen in an ostensibly healthy population. It had not been previously curated by ICSL or reported in the Human Gene Mutation Database (HGMD: prior to June 1st, 2018), and was therefore a candidate for classification through an automated scoring system. Utilizing variant allele frequency, disease prevalence and penetrance estimates, and inheritance mode, an automated score was calculated to assess if this variant is too frequent to cause the disease. Based on the score and internal cut-off values, a variant classified as benign is not then subjected to further curation. The score for this variant resulted in a classification of benign for this disease.

Illumina Laboratory Services, Illumina
Classification: Benign for Autosomal recessive ataxia, Beauce type. Last evaluated: 2018-01-13. Review status: criteria provided, single submitter. Criteria: ICSL Variant Classification Criteria 13 December 2019. Collection method: clinical testing. Allele origin: germline.
Comment: the same text as in the submission from Illumina Laboratory Services, Illumina above.

GeneDx
Classification: Benign. Last evaluated: 2016-01-25. Review status: criteria provided, single submitter. Criteria: GeneDx Variant Classification (06012015). Collection method: clinical testing. Allele origin: germline. Affected: yes.
Comment: This variant is considered likely benign or benign based on one or more of the following criteria: it is a conservative change, it occurs at a poorly conserved position in the protein, it is predicted to be benign by multiple in silico algorithms, and/or has population frequency not consistent with disease.

PreventionGenetics, part of Exact Sciences
Classification: Benign. Review status: criteria provided, single submitter. Criteria: ACMG Guidelines, 2015. Collection method: clinical testing. Allele origin: germline.

Clinical Genetics DNA and cytogenetics Diagnostics Lab, Erasmus MC, Erasmus Medical Center
Classification: Benign. Review status: no assertion criteria provided. Collection method: clinical testing. Allele origin: germline. Affected: yes. Study: VKGL Data-share Consensus. Not counted in ClinVar's aggregate classification.

Clinical Genetics, Academic Medical Center
Classification: Benign. Review status: no assertion criteria provided. Collection method: clinical testing. Allele origin: germline. Affected: yes. Study: VKGL Data-share Consensus. Not counted in ClinVar's aggregate classification.

Joint Genome Diagnostic Labs from Nijmegen and Maastricht, Radboudumc and MUMC+
Classification: Benign. Review status: no assertion criteria provided. Collection method: clinical testing. Allele origin: germline. Affected: yes. Study: VKGL Data-share Consensus. Not counted in ClinVar's aggregate classification.